The following is an entry in ClinVar:

ClinVar aggregate classification (germline): Uncertain significance. Review status: criteria provided, multiple submitters, no conflicts (2 of 4 stars). 3 submissions from 3 submitters: Uncertain significance (3). Last evaluated 2025-09-02.

Conditions:
Inborn genetic diseases. Identifiers: MedGen C0950123, MeSH D030342.

Allele frequency attached by ClinVar (database versions not stated): gnomAD 0.00001; TOPMed 0.00001.
gnomAD v4.1: 10 of 1,613,828 alleles (0.00062%); highest among the groups gnomAD compares: Non-Finnish European, 0.00085%; no homozygotes.

Submissions (3):

Labcorp Genetics (formerly Invitae), Labcorp
Classification: Uncertain significance. Last evaluated: 2025-09-02. Review status: criteria provided, single submitter. Criteria: Invitae Variant Classification Sherloc (09022015). Collection method: clinical testing. Allele origin: germline.
Comment: This sequence change replaces threonine, which is neutral and polar, with proline, which is neutral and non-polar, at codon 109 of the SNRNP200 protein (p.Thr109Pro). This variant is present in population databases (no rsID available, gnomAD 0.01%). This variant has not been reported in the literature in individuals affected with SNRNP200-related conditions. ClinVar contains an entry for this variant (Variation ID: 2411288). Invitae Evidence Modeling of protein sequence and biophysical properties (such as structural, functional, and spatial information, amino acid conservation, physicochemical variation, residue mobility, and thermodynamic stability) has been performed for this missense variant. However, the output from this modeling did not meet the statistical confidence thresholds required to predict the impact of this variant on SNRNP200 protein function. In summary, the available evidence is currently insufficient to determine the role of this variant in disease. Therefore, it has been classified as a Variant of Uncertain Significance.

Ambry Genetics
Classification: Uncertain significance for Inborn genetic diseases. Last evaluated: 2025-05-01. Review status: criteria provided, single submitter. Criteria: Ambry Variant Classification Scheme 2023. Collection method: clinical testing. Allele origin: germline.

Blueprint Genetics
Classification: Uncertain significance. Last evaluated: 2021-11-29. Review status: criteria provided, single submitter. Criteria: ACMG Guidelines, 2015. Collection method: clinical testing. Allele origin: germline.

NM_014014.5(SNRNP200):c.325A>C (p.Thr109Pro)

Gene: SNRNP200 (small nuclear ribonucleoprotein U5 subunit 200; minus strand). Cytogenetic location: 2q11.2.
Variant type: single nucleotide variant.
Coding change: c.325A>C on transcript NM_014014.5 (MANE Select); coding-DNA position 325, A replaced by C.
Protein change: p.Thr109Pro; replaces threonine 109 with proline.
Molecular consequence: missense variant.
Genome position (GRCh38, 1-based): chr2:96,303,215, T>G on the plus strand (A>C on the coding strand, the complement: SNRNP200 is on the minus strand). VCF-style: chr2-96303215-T-G. GRCh37 (hg19) VCF-style: chr2-96968953-T-G.
Other names: short protein forms T109P.
Identifiers: ClinVar variation 2411288 (VCV002411288.7), dbSNP rs1268800803, ClinGen allele CA347688787.